The following is an entry in ClinVar:

ClinVar aggregate classification (germline): Uncertain significance (1 of 4 stars; one submission).

Conditions:
Hereditary hyperekplexia. Identifiers: Orphanet 3197, MedGen C4084968, MONDO:0021022.

Submission:

Labcorp Genetics (formerly Invitae), Labcorp
Classification: Uncertain significance for Hereditary hyperekplexia. Last evaluated: 2022-07-11. Review status: criteria provided, single submitter. Criteria: Invitae Variant Classification Sherloc (09022015). Collection method: clinical testing. Allele origin: germline.
Comment: In summary, the available evidence is currently insufficient to determine the role of this variant in disease. Therefore, it has been classified as a Variant of Uncertain Significance. Advanced modeling of protein sequence and biophysical properties (such as structural, functional, and spatial information, amino acid conservation, physicochemical variation, residue mobility, and thermodynamic stability) performed at Invitae indicates that this missense variant is not expected to disrupt GLRA1 protein function. ClinVar contains an entry for this variant (Variation ID: 1505712). This variant has not been reported in the literature in individuals affected with GLRA1-related conditions. This variant is not present in population databases (gnomAD no frequency). This sequence change replaces leucine, which is neutral and non-polar, with isoleucine, which is neutral and non-polar, at codon 146 of the GLRA1 protein (p.Leu146Ile).

NM_000171.4(GLRA1):c.436C>A (p.Leu146Ile)

Gene: GLRA1 (glycine receptor alpha 1; minus strand). Cytogenetic location: 5q33.1.
Variant type: single nucleotide variant.
Coding change: c.436C>A on transcript NM_000171.4 (MANE Select); coding-DNA position 436, C replaced by A.
Protein change: p.Leu146Ile; replaces leucine 146 with isoleucine.
Molecular consequence: missense variant.
Genome position (GRCh38, 1-based): chr5:151,859,825, G>T on the plus strand (C>A on the coding strand, the complement: GLRA1 is on the minus strand). VCF-style: chr5-151859825-G-T. GRCh37 (hg19) VCF-style: chr5-151239386-G-T.
Other names: c.436C>A, p.Leu146Ile (NM_001146040.2); c.187C>A, p.Leu63Ile (NM_001292000.2); short protein forms L146I, L63I.
Identifiers: ClinVar variation 1505712 (VCV001505712.8), dbSNP rs2113358962, ClinGen allele CA361841283.